The following is an entry in ClinVar:

NM_000051.4(ATM):c.4109+8C>A

Gene: ATM (ATM serine/threonine kinase; plus strand). Cytogenetic location: 11q22.3.
Variant type: single nucleotide variant.
Coding change: c.4109+8C>A on transcript NM_000051.4 (MANE Select); 8 bases into the intron after coding-DNA position 4109, C replaced by A.
Molecular consequence: intron variant.
Genome position (GRCh38, 1-based): chr11:108,287,723, C>A. VCF-style: chr11-108287723-C-A. GRCh37 (hg19) VCF-style: chr11-108158450-C-A.
Other names: c.4109+8C>A (NM_001351834.2).
Identifiers: ClinVar variation 1115374 (VCV001115374.10), dbSNP rs1591656404, ClinGen allele CA2499220631.
Genomic context (GRCh38, chr11:108,287,723, plus strand): 5'-GAGCCAGCAAATTCTAGTGCCAGTCAGAGCACTGACCTCTGTGACTTTTCAGGGTATGTA[C>A]ATTTTAAACTTAGAGAACTAGCTCTAACTTCACAAGTTTTTAAAGAAGTTTATTGGTTGA-3'

ClinVar aggregate classification (germline): Likely benign. Review status: criteria provided, multiple submitters, no conflicts (2 of 4 stars). 2 submissions from 2 submitters: Likely benign (2). Last evaluated 2025-01-14.

Conditions:
Familial cancer of breast. Also called: BREAST CANCER, FAMILIAL; Hereditary breast cancer; hereditary breast carcinoma. Identifiers: Orphanet 227535, MedGen C0346153, MONDO:0016419, OMIM 114480. Disease mechanism: loss of function.
Ataxia-telangiectasia syndrome (AT). Also called: Ataxia-telangiectasia, complementation group E; Cerebello-oculocutaneous telangiectasia; Immunodeficiency with ataxia telangiectasia; AT, COMPLEMENTATION GROUP C; Ataxia-telangiectasia, complementation group D; Ataxia telangiectasia (A-T). Identifiers: Orphanet 100, MedGen C0004135, MONDO:0008840, OMIM 208900.

Submissions (2):

Labcorp Genetics (formerly Invitae), Labcorp
Classification: Likely benign for Ataxia-telangiectasia syndrome. Last evaluated: 2025-01-14. Review status: criteria provided, single submitter. Criteria: Invitae Variant Classification Sherloc (09022015). Collection method: clinical testing. Allele origin: germline.

Myriad Genetics, Inc.
Classification: Likely benign for Familial cancer of breast. Last evaluated: 2024-05-16. Review status: criteria provided, single submitter. Criteria: Myriad Autosomal Dominant, Autosomal Recessive and X-Linked Classification Criteria (2023). Collection method: clinical testing. Allele origin: unknown.
Comment: This variant is considered likely benign. This variant is intronic and is not expected to impact mRNA splicing.